The following is an entry in ClinVar:

NM_001080508.3(TBX18):c.1637A>C (p.Lys546Thr)

Gene: TBX18 (T-box transcription factor 18; minus strand). Cytogenetic location: 6q14.3.
Variant type: single nucleotide variant.
Coding change: c.1637A>C on transcript NM_001080508.3 (MANE Select); coding-DNA position 1637, A replaced by C.
Protein change: p.Lys546Thr; replaces lysine 546 with threonine.
Molecular consequence: missense variant.
Genome position (GRCh38, 1-based): chr6:84,736,872, T>G on the plus strand (A>C on the coding strand, the complement: TBX18 is on the minus strand). VCF-style: chr6-84736872-T-G. GRCh37 (hg19) VCF-style: chr6-85446590-T-G.
Other names: short protein forms K546T.
Identifiers: ClinVar variation 4805247 (VCV004805247.1).
Genomic context (GRCh38, chr6:84,736,872, plus strand): 5'-CGATCCGTCATGGTCCCACTCGGTGAGGACCCCAAGAAACTTCCTTGGGAAGAAACAATT[T>G]TCTCAGGACTGGCAGCCAGTTTGGGGGATGTGGAGAAGTTATATCCATATAGTGCACAGG-3'
Protein context (NP_001073977.1, residues 536-556): TSPKLAASPE[Lys546Thr]IVSSQGSFLG

ClinVar aggregate classification (germline): Uncertain significance (1 of 4 stars; one submission).

gnomAD v4.1: 2 of 1,613,454 alleles (0.00012%); highest among the groups gnomAD compares: Non-Finnish European, 0.000085%; no homozygotes.

Submission:

Labcorp Genetics (formerly Invitae), Labcorp
Classification: Uncertain significance. Last evaluated: 2025-05-25. Review status: criteria provided, single submitter. Criteria: Invitae Variant Classification Sherloc (09022015). Collection method: clinical testing. Allele origin: germline.
Comment: This sequence change replaces lysine, which is basic and polar, with threonine, which is neutral and polar, at codon 546 of the TBX18 protein (p.Lys546Thr). This variant is present in population databases (rs747874278, gnomAD 0.0009%). This variant has not been reported in the literature in individuals affected with TBX18-related conditions. Invitae Evidence Modeling of protein sequence and biophysical properties (such as structural, functional, and spatial information, amino acid conservation, physicochemical variation, residue mobility, and thermodynamic stability) indicates that this missense variant is not expected to disrupt TBX18 protein function with a negative predictive value of 80%. In summary, the available evidence is currently insufficient to determine the role of this variant in disease. Therefore, it has been classified as a Variant of Uncertain Significance.